The following is an entry in ClinVar:

NM_178543.5(ENPP7):c.68C>T (p.Pro23Leu)

Gene: ENPP7 (ectonucleotide pyrophosphatase/phosphodiesterase 7; plus strand). Cytogenetic location: 17q25.3.
Variant type: single nucleotide variant.
Coding change: c.68C>T on transcript NM_178543.5 (MANE Select); coding-DNA position 68, C replaced by T.
Protein change: p.Pro23Leu; replaces proline 23 with leucine.
Molecular consequence: missense variant.
Genome position (GRCh38, 1-based): chr17:79,731,207, C>T. VCF-style: chr17-79731207-C-T. GRCh37 (hg19) VCF-style: chr17-77704969-C-T.
Other names: short protein forms P23L.
Identifiers: ClinVar variation 161838 (VCV000161838.2), dbSNP rs193920826, ClinGen allele CA174882.

ClinVar aggregate classification (germline): Uncertain significance (0 of 4 stars; one submission).

Conditions:
Prostate cancer. Also called: Malignant tumor of prostate. Identifiers: Orphanet 1331, MedGen C0376358, MONDO:0008315, HP:0012125.

Allele frequency attached by ClinVar (database versions not stated): gnomAD 0.00004 and 0.00003; TOPMed 0.00005.
gnomAD v4.1: 16 of 1,612,106 alleles (0.00099%); highest among the groups gnomAD compares: African/African-American, 0.0067%; no homozygotes.

Submission:

Science for Life laboratory,  Karolinska Institutet
Classification: Uncertain significance for Malignant tumor of prostate. Review status: no assertion criteria provided. Collection method: not provided. Allele origin: somatic.
Comment: TumorID:SWE-13
ClinVar note: Converted during submission from Unknown to Uncertain significance.